The following is an entry in ClinVar:

ClinVar aggregate classification (germline): Likely benign (0 of 4 stars; one submission).

Conditions:
JAG2-related disorder. Also called: JAG2-related condition.

Allele frequency attached by ClinVar (database versions not stated): gnomAD exomes 0.00001; gnomAD 0.00004; TOPMed 0.00004; ESP Exome Variant Server 0.00008.
gnomAD v4.1: 20 of 1,567,984 alleles (0.0013%); highest among the groups gnomAD compares: Middle Eastern, 0.019%; no homozygotes.

Submission:

PreventionGenetics, part of Exact Sciences
Classification: Likely benign for JAG2-related condition. Last evaluated: 2019-08-27. Review status: no assertion criteria provided. Collection method: clinical testing. Allele origin: germline.
Comment: This variant is classified as likely benign based on ACMG/AMP sequence variant interpretation guidelines (Richards et al. 2015 PMID: 25741868, with internal and published modifications).

NM_002226.5(JAG2):c.2013C>T (p.Cys671=)

Gene: JAG2 (jagged canonical Notch ligand 2; minus strand). Cytogenetic location: 14q32.33.
Variant type: single nucleotide variant.
Coding change: c.2013C>T on transcript NM_002226.5 (MANE Select); coding-DNA position 2013, C replaced by T.
Protein change: p.Cys671=; no amino-acid change (cysteine 671 retained).
Molecular consequence: synonymous variant.
Genome position (GRCh38, 1-based): chr14:105,148,752, G>A on the plus strand (C>T on the coding strand, the complement: JAG2 is on the minus strand). VCF-style: chr14-105148752-G-A. GRCh37 (hg19) VCF-style: chr14-105615089-G-A.
Other names: c.1899C>T, p.Cys633= (NM_145159.3).
Identifiers: ClinVar variation 3052967 (VCV003052967.2), dbSNP rs370664484, ClinGen allele CA267397250.